The following is an entry in ClinVar:

ClinVar aggregate classification (germline): Pathogenic. Review status: criteria provided, multiple submitters, no conflicts (2 of 4 stars). 12 submissions from 12 submitters: Pathogenic (10). 2 of the submissions do not count toward it. Last evaluated 2026-01-22.

Conditions:
MPI-related disorder. Also called: MPI-related condition.
MPI-congenital disorder of glycosylation. Also called: CDG Ib; CONGENITAL DISORDER OF GLYCOSYLATION, TYPE Ib; MANNOSEPHOSPHATE ISOMERASE DEFICIENCY; MPI-CDG; MPI DEFICIENCY; PROTEIN-LOSING ENTEROPATHY-HEPATIC FIBROSIS SYNDROME. Identifiers: Orphanet 79319, MedGen C1865145, MONDO:0011257, OMIM 602579.

Allele frequency attached by ClinVar (database versions not stated): gnomAD 0.00019 and 0.00021; gnomAD exomes 0.00027 and 0.00029; TOPMed 0.00011; ExAC 0.00045.
gnomAD v4.1: 433 of 1,614,086 alleles (0.027%); highest among the groups gnomAD compares: Non-Finnish European, 0.031%; no homozygotes.

Submissions (12):

PreventionGenetics, part of Exact Sciences
Classification: Pathogenic for MPI-related condition. Last evaluated: 2026-01-22. Review status: criteria provided, single submitter. Criteria: ACMG Guidelines, 2015. Collection method: clinical testing. Allele origin: germline.
Comment: The MPI c.656G>A variant is predicted to result in the amino acid substitution p.Arg219Gln. This variant has been reported, along with a second known or plausible causative variant, in individuals with autosomal recessive congenital disorder of glycosylation 1b (see, for example, Schollen et al. 2000. PubMed ID: 10980531; Niehues et al. 1998. PubMed ID: 9525984; Abdel Ghaffar et al. 2020. PubMed ID: 33204592; Westphal et al. 2001. PubMed ID: 11350186; Starosta et al. 2021. PubMed ID: 33413482; Lipinski et al. 2021. PubMed ID: 33643843; de la Morena-Barrio et al. 2019. PubMed ID: 30545931). This variant has also been reported in the homozygous state in two siblings with a highly elevated serum level of carbohydrate-deficient transferrin, a biomarker for MPI-related disease, but were otherwise clinically asymptomatic (Helander et al. 2014. PubMed ID: 24508628). This variant is reported in 0.050% of alleles in individuals of European (Non-Finnish) descent in gnomAD. Based on the available evidence, we classify this variant as pathogenic.

Labcorp Genetics (formerly Invitae), Labcorp
Classification: Pathogenic for MPI-congenital disorder of glycosylation. Last evaluated: 2026-01-17. Review status: criteria provided, single submitter. Criteria: Invitae Variant Classification Sherloc (09022015). Collection method: clinical testing. Allele origin: germline.
Comment: This sequence change replaces arginine, which is basic and polar, with glutamine, which is neutral and polar, at codon 219 of the MPI protein (p.Arg219Gln). This variant is present in population databases (rs104894489, gnomAD 0.05%). This missense change has been observed in individual(s) with CDG type Ib (PMID: 10980531, 11350186, 18928705). In at least one individual the data is consistent with being in trans (on the opposite chromosome) from a pathogenic variant. It has also been observed to segregate with disease in related individuals. ClinVar contains an entry for this variant (Variation ID: 14345). Invitae Evidence Modeling of protein sequence and biophysical properties (such as structural, functional, and spatial information, amino acid conservation, physicochemical variation, residue mobility, and thermodynamic stability) indicates that this missense variant is not expected to disrupt MPI protein function with a negative predictive value of 80%. Experimental studies have shown that this missense change affects MPI function (PMID: 9525984, 24421398). For these reasons, this variant has been classified as Pathogenic.

Natera, Inc.
Classification: Pathogenic for Congenital disorder of glycosylation type 1b. Last evaluated: 2025-12-10. Review status: criteria provided, single submitter. Criteria: Natera Variant Classification Schema (03/2026). Collection method: clinical testing. Allele origin: germline.
Comment: The c.656G>A variant in MPI is a missense variant predicted to cause substitution of arginine to glutamine at amino acid 219. This variant has been observed in one or more individuals affected with the associated recessive disease, as either homozygous or compound heterozygous with a second variant (PMID: 30545931, 10980531, 24508628). Additionally, this variant has been observed to segregate in affected family members (PMID: 30545931, 24508628). Computational prediction algorithms indicate this variant is likely to affect gene or protein function. Given the available evidence, this variant is classified as Pathogenic.

Blueprint Genetics
Classification: Pathogenic for MPI-related disorders. Last evaluated: 2024-07-16. Review status: criteria provided, single submitter. Criteria: ACMG Guidelines, 2015. Collection method: clinical testing. Allele origin: germline. Affected: yes. Observed: 5 variant alleles.

Fulgent Genetics
Classification: Pathogenic for MPI-congenital disorder of glycosylation. Last evaluated: 2024-04-26. Review status: criteria provided, single submitter. Criteria: ACMG Guidelines, 2015. Collection method: clinical testing. Allele origin: germline.

Baylor Genetics
Classification: Pathogenic for MPI-congenital disorder of glycosylation. Last evaluated: 2024-03-27. Review status: criteria provided, single submitter. Criteria: ACMG Guidelines, 2015. Collection method: clinical testing. Allele origin: unknown.

GeneDx
Classification: Pathogenic. Last evaluated: 2022-04-21. Review status: criteria provided, single submitter. Criteria: GeneDx Variant Classification Process June 2021. Collection method: clinical testing. Allele origin: germline. Affected: yes.
Comment: Published functional studies demonstrate a damaging effect, specifically, R219Q is associated with significantly reduced mannose-6-phosphate isomerase activity compared to wild-type (Niehues et al., 1998); In silico analysis, which includes protein predictors and evolutionary conservation, supports a deleterious effect; This variant is associated with the following publications: (PMID: 24508628, 10980531, 26206375, 9525984, 18928705, 28928705, 24421398, 30545931, 11350186, 33204592, 31589614, 33643843, 33413482)

Department of Pathology and Laboratory Medicine, Sinai Health System
Classification: Pathogenic for MPI-congenital disorder of glycosylation. Last evaluated: 2022-04-11. Review status: criteria provided, single submitter. Criteria: ACMG Guidelines, 2015. Collection method: research. Allele origin: germline.

Genetic Services Laboratory, University of Chicago
Classification: Pathogenic. Last evaluated: 2021-08-09. Review status: criteria provided, single submitter. Criteria: ACMG Guidelines, 2015. Collection method: clinical testing. Allele origin: germline. Affected: yes.
Comment: DNA sequence analysis of the MPI gene demonstrated two sequence changes. The first sequence change, c.656G>A, in exon 5, results in an amino acid change, p.Arg219Gln. This sequence change has been described in gnomAD with a low population frequency of 0.029% (dbSNP rs104894489). The p.Arg219Gln change affects a highly conserved amino acid residue located in a domain of the MPI protein that is known to be functional. In-silico pathogenicity prediction tools (SIFT, PolyPhen2, Align GVGD, REVEL) provide contradictory results for the p.Arg219Gln substitution. This sequence change has been reported in the homozygous and compound heterozygous states in multiple individuals with features of congenital disorder of glycosylation (PMIDs: 10980531, 18928705, 11350186, 9525984). Functional studies have also demonstrated that the p.Arg219Gln change affects MPI protein function (PMID: 9525984, 24421398). Based on the collective evidence, the p.Arg219Gln variant is classified as pathogenic for congenital disorders of glycosylation

Illumina Laboratory Services, Illumina
Classification: Pathogenic for MPI-congenital disorder of glycosylation. Last evaluated: 2017-04-27. Review status: criteria provided, single submitter. Criteria: ICSL Variant Classification Criteria 09 May 2019. Collection method: clinical testing. Allele origin: germline.
Comment: The MPI c.656G>A (p.Arg219Gln) missense variant has been reported in five studies in which it is found in a total of six individuals with MPI- congenital disorders of glycosylation (CDG-Ib), including one homozygote and five compound heterozygotes (Niehues et al. 1998; Schollen et al. 2000; Westphal et al. 2001; MartÃ­n HernÃ¡ndez et al. 2008; Helander et al. 2014). The variant was also identified in a homozygous state in an individual who showed elevated carbohydrate-deficient transferrin levels but no other clinical signs of MPI-CDG (CDG-Ib), and in a heterozygous state in three unaffected parents of patients. The variant was absent from 50 controls but is reported at a frequency of 0.00078 in the European (non-Finnish) population of the Exome Aggregation Consortium. Expression studies in COS-7 cells showed that the variant protein resulted in MPI activity indistinguishable from background, while expression of normal MPI increased specific activity approximately 10 fold when compared with controls (Niehues et al. 1998). Based on the collective evidence, the p.Arg219Gln variant is classified as pathogenic for congenital disorders of glycosylation. This variant was observed by ICSL as part of a predisposition screen in an ostensibly healthy population.

Counsyl
Classification: Likely pathogenic for MPI-congenital disorder of glycosylation. Last evaluated: 2016-07-14. Review status: no assertion criteria provided. Collection method: clinical testing. Allele origin: unknown. Not counted in ClinVar's aggregate classification.

OMIM
Classification: Pathogenic for CONGENITAL DISORDER OF GLYCOSYLATION, TYPE Ib. Last evaluated: 2000-09-01. Review status: no assertion criteria provided. Collection method: literature only. Allele origin: germline. Not counted in ClinVar's aggregate classification.

Literature cited by the submitters: PubMed 10980531 (cited by 5 submitters); PubMed 11350186 (cited by 3 submitters); PubMed 18928705 (cited by 3 submitters); PubMed 9525984 (cited by 4 submitters); PubMed 24421398 (cited by Labcorp Genetics (formerly Invitae), Labcorp and Counsyl); PubMed 30545931 (cited by Natera, Inc.); PubMed 24508628 (cited by 3 submitters); PubMed 26206375 (cited by Counsyl); PubMed 28928705 (cited by Counsyl).

NM_002435.3(MPI):c.656G>A (p.Arg219Gln)

Gene: MPI (mannose phosphate isomerase; plus strand). Cytogenetic location: 15q24.1.
Variant type: single nucleotide variant.
Coding change: c.656G>A on transcript NM_002435.3 (MANE Select); coding-DNA position 656, G replaced by A.
Protein change: p.Arg219Gln; replaces arginine 219 with glutamine.
Molecular consequence: missense variant. On other transcripts: intron variant (1).
Genome position (GRCh38, 1-based): chr15:74,893,306, G>A. VCF-style: chr15-74893306-G-A. GRCh37 (hg19) VCF-style: chr15-75185647-G-A.
Other names: c.656G>A, p.Arg219Gln (NM_001289155.2); c.506G>A, p.Arg169Gln (NM_001289156.2); c.596G>A, p.Arg199Gln (NM_001330372.2); c.487+504G>A (NM_001289157.2); short protein forms R219Q, R169Q, R199Q.
Identifiers: ClinVar variation 14345 (VCV000014345.29), dbSNP rs104894489, ClinGen allele CA257210.